The following is an entry in ClinVar:

NM_002662.5(PLD1):c.2612A>G (p.Asn871Ser)

Gene: PLD1 (phospholipase D1; minus strand). Cytogenetic location: 3q26.31.
Variant type: single nucleotide variant.
Coding change: c.2612A>G on transcript NM_002662.5 (MANE Select); coding-DNA position 2612, A replaced by G.
Protein change: p.Asn871Ser; replaces asparagine 871 with serine.
Molecular consequence: missense variant.
Genome position (GRCh38, 1-based): chr3:171,620,502, T>C on the plus strand (A>G on the coding strand, the complement: PLD1 is on the minus strand). VCF-style: chr3-171620502-T-C. GRCh37 (hg19) VCF-style: chr3-171338292-T-C.
Other names: c.2498A>G, p.Asn833Ser (NM_001130081.3); short protein forms N833S, N871S.
Identifiers: ClinVar variation 4874639 (VCV004874639.2).

ClinVar aggregate classification (germline): Uncertain significance (1 of 4 stars; one submission).

gnomAD v4.1: 1 of 1,586,008 alleles (0.000063%); highest among the groups gnomAD compares: South Asian, 0.0011%; no homozygotes.

Submission:

CeGaT Center for Human Genetics Tuebingen
Classification: Uncertain significance. Last evaluated: 2026-04-01. Review status: criteria provided, single submitter. Criteria: CeGaT Center For Human Genetics Tuebingen Variant Classification Criteria Version 2. Collection method: clinical testing. Allele origin: germline. Affected: yes. Observed: 1 variant allele.
Comment: PLD1: PM2